The following is an entry in ClinVar:

ClinVar aggregate classification (germline): Uncertain significance (1 of 4 stars; one submission).

Conditions:
Noonan syndrome 9 (NS9). Identifiers: Orphanet 648, MedGen C4225282, MONDO:0014691, OMIM 616559.

Submission:

Labcorp Genetics (formerly Invitae), Labcorp
Classification: Uncertain significance for Noonan syndrome 9. Last evaluated: 2025-01-06. Review status: criteria provided, single submitter. Criteria: Invitae Variant Classification Sherloc (09022015). Collection method: clinical testing. Allele origin: germline.
Comment: This sequence change creates a premature translational stop signal (p.Phe989Leufs*24) in the SOS2 gene. It is expected to result in an absent or disrupted protein product. However, the current clinical and genetic evidence is not sufficient to establish whether loss-of-function variants in SOS2 cause disease. This variant is not present in population databases (gnomAD no frequency). This variant has not been reported in the literature in individuals affected with SOS2-related conditions. ClinVar contains an entry for this variant (Variation ID: 2027764). In summary, the available evidence is currently insufficient to determine the role of this variant in disease. Therefore, it has been classified as a Variant of Uncertain Significance.

NM_006939.4(SOS2):c.2967del (p.Phe989fs)

Gene: SOS2 (SOS Ras/Rho guanine nucleotide exchange factor 2; minus strand). Cytogenetic location: 14q21.3.
Variant type: Deletion.
Coding change: c.2967del on transcript NM_006939.4 (MANE Select); coding-DNA position 2967, one base deleted (T; older notation c.2967delT).
Protein change: p.Phe989fs; shifts the reading frame from phenylalanine 989.
Molecular consequence: frameshift variant.
Genome position (GRCh38, 1-based): chr14:50,134,231, A deleted on the plus strand (T on the coding strand, the reverse complement: SOS2 is on the minus strand); the first of 3 consecutive A bases (chr14:50,134,231-50,134,233); deleting any one gives the same sequence. VCF-style (leftmost placement, unchanged base first): chr14-50134230-CA-C. GRCh37 (hg19) VCF-style: chr14-50600948-CA-C.
Other names: c.2868del, p.Phe956fs (NM_001411020.1); short protein forms F989fs, F956fs.
Identifiers: ClinVar variation 2027764 (VCV002027764.4), dbSNP rs2502851327, ClinGen allele CA2580088173.
Genomic context (GRCh38, chr14:50,134,230, plus strand): 5'-TGTTGAACAAATAATCTGTAAACTCTTTTTCAGATGCACTTCCCATGGGGTTAAGGTTTT[CA>C]AAGAATCTCTGGAATTAAACAAATAACACAAGTGCATATATAGTAAGTATATATTTTAGA-3'